The following is an entry in ClinVar:

ClinVar aggregate classification (germline): Uncertain significance (1 of 4 stars; one submission).

Conditions:
Cranioectodermal dysplasia 2 (CED2). Identifiers: Orphanet 1515, MedGen C3150874, MONDO:0013323, OMIM 613610.
Short-rib thoracic dysplasia 7 with or without polydactyly (SRTD7). Also called: Short rib polydactyly syndrome 5; SHORT-RIB THORACIC DYSPLASIA 7 WITH POLYDACTYLY. Identifiers: Orphanet 498497, Orphanet 93271, MedGen C3279792, MONDO:0013569, OMIM 614091.

Submission:

Labcorp Genetics (formerly Invitae), Labcorp
Classification: Uncertain significance for Cranioectodermal dysplasia 2; Short-rib thoracic dysplasia 7 with or without polydactyly. Last evaluated: 2022-11-22. Review status: criteria provided, single submitter. Criteria: Invitae Variant Classification Sherloc (09022015). Collection method: clinical testing. Allele origin: germline.
Comment: Advanced modeling of protein sequence and biophysical properties (such as structural, functional, and spatial information, amino acid conservation, physicochemical variation, residue mobility, and thermodynamic stability) performed at Invitae indicates that this missense variant is not expected to disrupt WDR35 protein function. In summary, the available evidence is currently insufficient to determine the role of this variant in disease. Therefore, it has been classified as a Variant of Uncertain Significance. ClinVar contains an entry for this variant (Variation ID: 1044607). This sequence change replaces serine, which is neutral and polar, with arginine, which is basic and polar, at codon 797 of the WDR35 protein (p.Ser797Arg). This variant is not present in population databases (gnomAD no frequency). This variant has not been reported in the literature in individuals affected with WDR35-related conditions.

NM_020779.4(WDR35):c.2356A>C (p.Ser786Arg)

Gene: WDR35 (WD repeat domain 35; minus strand). Cytogenetic location: 2p24.1.
Variant type: single nucleotide variant.
Coding change: c.2356A>C on transcript NM_020779.4 (MANE Select); coding-DNA position 2356, A replaced by C.
Protein change: p.Ser786Arg; replaces serine 786 with arginine.
Molecular consequence: missense variant.
Genome position (GRCh38, 1-based): chr2:19,936,277, T>G on the plus strand (A>C on the coding strand, the complement: WDR35 is on the minus strand). VCF-style: chr2-19936277-T-G. GRCh37 (hg19) VCF-style: chr2-20136038-T-G.
Other names: c.2389A>C, p.Ser797Arg (NM_001006657.2); short protein forms S786R, S797R.
Identifiers: ClinVar variation 1044607 (VCV001044607.8), dbSNP rs748153278, ClinGen allele CA345943270.